The following is an entry in ClinVar:

ClinVar aggregate classification (germline): Uncertain significance (1 of 4 stars; one submission).

Allele frequency attached by ClinVar (database versions not stated): gnomAD 0.00001.
gnomAD v4.1: 11 of 1,611,712 alleles (0.00068%); highest among the groups gnomAD compares: Non-Finnish European, 0.00093%; no homozygotes.

Submission:

Labcorp Genetics (formerly Invitae), Labcorp
Classification: Uncertain significance. Last evaluated: 2020-12-21. Review status: criteria provided, single submitter. Criteria: Invitae Variant Classification Sherloc (09022015). Collection method: clinical testing. Allele origin: germline.
Comment: In summary, the available evidence is currently insufficient to determine the role of this variant in disease. Therefore, it has been classified as a Variant of Uncertain Significance. Algorithms developed to predict the effect of missense changes on protein structure and function are either unavailable or do not agree on the potential impact of this missense change (SIFT: "Deleterious"; PolyPhen-2: "Probably Damaging"; Align-GVGD: "Class C0"). This variant has not been reported in the literature in individuals with PDE6B-related conditions. This variant is present in population databases (rs752437687, ExAC 0.002%). This sequence change replaces isoleucine with methionine at codon 665 of the PDE6B protein (p.Ile665Met). The isoleucine residue is highly conserved and there is a small physicochemical difference between isoleucine and methionine.

NM_000283.4(PDE6B):c.1995C>G (p.Ile665Met)

Gene: PDE6B (phosphodiesterase 6B; plus strand). Cytogenetic location: 4p16.3.
Variant type: single nucleotide variant.
Coding change: c.1995C>G on transcript NM_000283.4 (MANE Select); coding-DNA position 1995, C replaced by G.
Protein change: p.Ile665Met; replaces isoleucine 665 with methionine.
Molecular consequence: missense variant.
Genome position (GRCh38, 1-based): chr4:663,844, C>G. VCF-style: chr4-663844-C-G. GRCh37 (hg19) VCF-style: chr4-657633-C-G.
Other names: c.1995C>G, p.Ile665Met (NM_001145291.2); c.1158C>G, p.Ile386Met (NM_001145292.2, NM_001350154.3, NM_001379246.1 and 1 more transcripts); c.840C>G, p.Ile280Met (NM_001350155.3); short protein forms I280M, I386M, I665M.
Identifiers: ClinVar variation 1358152 (VCV001358152.8), dbSNP rs752437687, ClinGen allele CA2794797.